The following is an entry in ClinVar:

ClinVar aggregate classification (germline): Conflicting classifications of pathogenicity. Review status: criteria provided, conflicting classifications (1 of 4 stars). 2 submissions from 2 submitters: Uncertain significance (1); Likely benign (1). Last evaluated 2025-03-01.

Conditions:
Osteogenesis imperfecta type I (OI1). Also called: Lobstein's Disease; Lobstein disease; Classic Non-deforming Osteogenesis Imperfecta with Blue Sclerae; Osteogenesis imperfecta type 1; OI, TYPE I; OSTEOGENESIS IMPERFECTA TARDA. Identifiers: Orphanet 216796, Orphanet 666, MedGen C0023931, MONDO:0008146, OMIM 166200. Disease mechanism: loss of function.

Submissions (2):

CeGaT Center for Human Genetics Tuebingen
Classification: Uncertain significance. Last evaluated: 2025-03-01. Review status: criteria provided, single submitter. Criteria: CeGaT Center For Human Genetics Tuebingen Variant Classification Criteria Version 2. Collection method: clinical testing. Allele origin: germline. Affected: yes. Observed: 1 variant allele.
Comment: COL1A1: PM2, BP4

Labcorp Genetics (formerly Invitae), Labcorp
Classification: Likely benign for Osteogenesis imperfecta type I. Last evaluated: 2020-05-06. Review status: criteria provided, single submitter. Criteria: Invitae Variant Classification Sherloc (09022015). Collection method: clinical testing. Allele origin: germline.

NM_000088.4(COL1A1):c.2452-4C>T

Gene: COL1A1 (collagen type I alpha 1 chain; minus strand). Cytogenetic location: 17q21.33.
Variant type: single nucleotide variant.
Coding change: c.2452-4C>T on transcript NM_000088.4 (MANE Select); 4 bases into the intron before coding-DNA position 2452, C replaced by T.
Molecular consequence: intron variant.
Genome position (GRCh38, 1-based): chr17:50,190,112, G>A on the plus strand (C>T on the coding strand, the complement: COL1A1 is on the minus strand). VCF-style: chr17-50190112-G-A. GRCh37 (hg19) VCF-style: chr17-48267473-G-A.
Identifiers: ClinVar variation 1125954 (VCV001125954.16), dbSNP rs1267688094, ClinGen allele CA2499224726.